The following is an entry in ClinVar:

NM_001298.3(CNGA3):c.1236G>T (p.Glu412Asp)

Gene: CNGA3 (cyclic nucleotide gated channel subunit alpha 3; plus strand). Cytogenetic location: 2q11.2.
Variant type: single nucleotide variant.
Coding change: c.1236G>T on transcript NM_001298.3 (MANE Select); coding-DNA position 1236, G replaced by T.
Protein change: p.Glu412Asp; replaces glutamic acid 412 with aspartic acid.
Molecular consequence: missense variant.
Genome position (GRCh38, 1-based): chr2:98,396,406, G>T. VCF-style: chr2-98396406-G-T. GRCh37 (hg19) VCF-style: chr2-99012869-G-T.
Other names: c.1182G>T, p.Glu394Asp (NM_001079878.2); short protein forms E394D, E412D.
Identifiers: ClinVar variation 2134541 (VCV002134541.4), dbSNP rs2467029761, ClinGen allele CA347833115.
Genomic context (GRCh38, chr2:98,396,406, plus strand): 5'-TGCCACCATTGTGGGCAATGTGGGCTCCATGATCTCGAATATGAATGCCTCACGGGCAGA[G>T]TTCCAGGCCAAGATTGATTCCATCAAGCAGTACATGCAGTTCCGCAAGGTCACCAAGGAC-3'
Protein context (NP_001289.1, residues 402-422): MISNMNASRA[Glu412Asp]FQAKIDSIKQ

ClinVar aggregate classification (germline): Uncertain significance (1 of 4 stars; one submission).

Submission:

Labcorp Genetics (formerly Invitae), Labcorp
Classification: Uncertain significance. Last evaluated: 2023-10-03. Review status: criteria provided, single submitter. Criteria: Invitae Variant Classification Sherloc (09022015). Collection method: clinical testing. Allele origin: germline.
Comment: This sequence change replaces glutamic acid, which is acidic and polar, with aspartic acid, which is acidic and polar, at codon 412 of the CNGA3 protein (p.Glu412Asp). This variant is not present in population databases (gnomAD no frequency). This variant has not been reported in the literature in individuals affected with CNGA3-related conditions. ClinVar contains an entry for this variant (Variation ID: 2134541). Advanced modeling of protein sequence and biophysical properties (such as structural, functional, and spatial information, amino acid conservation, physicochemical variation, residue mobility, and thermodynamic stability) has been performed at Invitae for this missense variant, however the output from this modeling did not meet the statistical confidence thresholds required to predict the impact of this variant on CNGA3 protein function. In summary, the available evidence is currently insufficient to determine the role of this variant in disease. Therefore, it has been classified as a Variant of Uncertain Significance.